The following is an entry in ClinVar:

NM_001330260.2(SCN8A):c.2930T>C (p.Leu977Pro)

Gene: SCN8A (sodium voltage-gated channel alpha subunit 8; plus strand). Cytogenetic location: 12q13.13.
Variant type: single nucleotide variant.
Coding change: c.2930T>C on transcript NM_001330260.2 (MANE Select); coding-DNA position 2930, T replaced by C.
Protein change: p.Leu977Pro; replaces leucine 977 with proline.
Molecular consequence: missense variant.
Genome position (GRCh38, 1-based): chr12:51,768,893, T>C. VCF-style: chr12-51768893-T-C. GRCh37 (hg19) VCF-style: chr12-52162677-T-C.
Other names: c.2930T>C, p.Leu977Pro (NM_001177984.3, NM_001369788.1, NM_014191.4); short protein forms L977P.
Identifiers: ClinVar variation 546250 (VCV000546250.2), dbSNP rs1555226079, ClinGen allele CA384891746.
Genomic context (GRCh38, chr12:51,768,893, plus strand): 5'-TTTGTTCCTTTTTTCCAATGCTACTGGCATAGGTGCTGAACCTGTTTCTGGCCTTGCTCC[T>C]GAGCTCCTTCAGTGCAGACAACCTGGCTGCCACAGATGACGATGGGGAAATGAACAACCT-3'
Protein context (NP_001317189.1, residues 967-987): VVLNLFLALL[Leu977Pro]SSFSADNLAA

ClinVar aggregate classification (germline): Pathogenic (1 of 4 stars; one submission).

Submission:

GeneDx
Classification: Pathogenic. Last evaluated: 2018-06-27. Review status: criteria provided, single submitter. Criteria: GeneDx Variant Classification (06012015). Collection method: clinical testing. Allele origin: germline. Affected: yes.
Comment: The L977P variant in the SCN8A gene has not been reported previously as a pathogenic variant, nor as a benign variant, to our knowledge. The L977P variant is not observed in large population cohorts (Lek et al., 2016). The L977P variant is a semi-conservative amino acid substitution, which may impact secondary protein structure as these residues differ in some properties. In silico analyses, including protein predictors and evolutionary conservation, support a deleterious effect. Additionally, the majority of missense variants in this gene are considered pathogenic (Stenson et al., 2014). We interpret L977P as a pathogenic variant.